The following is an entry in ClinVar:

NM_001033026.2(TMEM259):c.1065C>T (p.Thr355=)

Gene: TMEM259 (transmembrane protein 259; minus strand). Cytogenetic location: 19p13.3.
Variant type: single nucleotide variant.
Coding change: c.1065C>T on transcript NM_001033026.2 (MANE Select); coding-DNA position 1065, C replaced by T.
Protein change: p.Thr355=; no amino-acid change (threonine 355 retained).
Molecular consequence: synonymous variant.
Genome position (GRCh38, 1-based): chr19:1,011,599, G>A on the plus strand (C>T on the coding strand, the complement: TMEM259 is on the minus strand). VCF-style: chr19-1011599-G-A. GRCh37 (hg19) VCF-style: chr19-1011598-G-A.
Other names: c.1065C>T, p.Thr355= (NM_033420.4).
Identifiers: ClinVar variation 2648885 (VCV002648885.24), dbSNP rs375020540, ClinGen allele CA9031355.
Genomic context (GRCh38, chr19:1,011,599, plus strand): 5'-GGGTGCAGCGCGGGGCGGGGGAGGCCGGGTGGGGTCCTCACCGACGAGGGCCAGGATGAC[G>A]GTCAGCAGGGGCGCTGCGGGGAAGGCGATGGCCATGTTCATCTCCAGCATCTGCAGCAGG-3'
Protein context (NP_001028198.1, residues 345-365): AIAFPAAPLL[Thr355=]VILALVGMEA

ClinVar aggregate classification (germline): Likely benign (1 of 4 stars; one submission).

Allele frequency attached by ClinVar (database versions not stated): ExAC 0.00029; TOPMed 0.00008; ESP Exome Variant Server 0.00009; gnomAD 0.00009.
gnomAD v4.1: 183 of 1,544,766 alleles (0.012%); highest among the groups gnomAD compares: Middle Eastern, 0.053%; no homozygotes.

Submission:

CeGaT Center for Human Genetics Tuebingen
Classification: Likely benign. Last evaluated: 2022-08-01. Review status: criteria provided, single submitter. Criteria: CeGaT Center For Human Genetics Tuebingen Variant Classification Criteria Version 2. Collection method: clinical testing. Allele origin: germline. Affected: yes. Observed: 1 variant allele.
Comment: TMEM259: BP4, BP7